The following is an entry in ClinVar:

NM_004360.5(CDH1):c.1136C>G (p.Thr379Arg)

Gene: CDH1 (cadherin 1; plus strand). Cytogenetic location: 16q22.1.
Variant type: single nucleotide variant.
Coding change: c.1136C>G on transcript NM_004360.5 (MANE Select); coding-DNA position 1136, C replaced by G.
Protein change: p.Thr379Arg; replaces threonine 379 with arginine.
Molecular consequence: missense variant. On other transcripts: 5 prime UTR variant (2).
Genome position (GRCh38, 1-based): chr16:68,812,262, C>G. VCF-style: chr16-68812262-C-G. GRCh37 (hg19) VCF-style: chr16-68846165-C-G.
Other names: c.1136C>G, p.Thr379Arg (NM_001317184.2); c.-480C>G (NM_001317185.2); c.-684C>G (NM_001317186.2); short protein forms T379R.
Identifiers: ClinVar variation 4723994 (VCV004723994.1).
Genomic context (GRCh38, chr16:68,812,262, plus strand): 5'-CAACAGCTGTGATCACAGTCACTGACACCAACGATAATCCTCCGATCTTCAATCCCACCA[C>G]GGTAATTCTATAACTCCTTAGAGGGTTTCCAAAGAAAGGTCTTTTGTTGTTCATGAACTA-3'
Protein context (NP_004351.1, residues 369-389): NDNPPIFNPT[Thr379Arg]YKGQVPENEA

ClinVar aggregate classification (germline): Uncertain significance (1 of 4 stars; one submission).

Conditions:
Hereditary diffuse gastric adenocarcinoma (HDGC). Also called: DIFFUSE GASTRIC AND LOBULAR BREAST CANCER SYNDROME. Identifiers: Orphanet 26106, MedGen C1708349, MONDO:0007648, OMIM 137215.

Submission:

Labcorp Genetics (formerly Invitae), Labcorp
Classification: Uncertain significance for Hereditary diffuse gastric adenocarcinoma. Last evaluated: 2025-07-25. Review status: criteria provided, single submitter. Criteria: Invitae Variant Classification Sherloc (09022015). Collection method: clinical testing. Allele origin: germline.
Comment: This sequence change replaces threonine, which is neutral and polar, with arginine, which is basic and polar, at codon 379 of the CDH1 protein (p.Thr379Arg). This variant is not present in population databases (gnomAD no frequency). This variant has not been reported in the literature in individuals affected with CDH1-related conditions. An algorithm developed to predict the effect of missense changes on protein structure and function (PolyPhen-2) suggests that this variant is likely to be disruptive. In summary, the available evidence is currently insufficient to determine the role of this variant in disease. Therefore, it has been classified as a Variant of Uncertain Significance.